The following is an entry in ClinVar:

NM_004329.3(BMPR1A):c.851G>T (p.Arg284Leu)

Gene: BMPR1A (bone morphogenetic protein receptor type 1A; plus strand). Cytogenetic location: 10q23.2.
Variant type: single nucleotide variant.
Coding change: c.851G>T on transcript NM_004329.3 (MANE Select); coding-DNA position 851, G replaced by T.
Protein change: p.Arg284Leu; replaces arginine 284 with leucine.
Molecular consequence: missense variant. On other transcripts: non-coding transcript variant (3).
Genome position (GRCh38, 1-based): chr10:86,917,309, G>T. VCF-style: chr10-86917309-G-T. GRCh37 (hg19) VCF-style: chr10-88677066-G-T.
Other names: c.851G>T, p.Arg284Leu (NM_001406575.1, NM_001406576.1, NM_001406577.1 and 19 more transcripts); c.845G>T, p.Arg282Leu (NM_001406583.1); c.767G>T, p.Arg256Leu (NM_001406584.1, NM_001406585.1, NM_001406586.1 and 2 more transcripts); c.926G>T, p.Arg309Leu (NM_001406559.1); c.899G>T, p.Arg300Leu (NM_001406560.1); c.509G>T, p.Arg170Leu (NM_001406589.1); short protein forms R256L, R284L, R170L, R282L, R309L, R300L.
Identifiers: ClinVar variation 4737607 (VCV004737607.1).

ClinVar aggregate classification (germline): Uncertain significance (1 of 4 stars; one submission).

Conditions:
Juvenile polyposis syndrome (JPS). Identifiers: Orphanet 2929, MedGen C0345893, MONDO:0017380, OMIM 174900.

Submission:

Labcorp Genetics (formerly Invitae), Labcorp
Classification: Uncertain significance for Juvenile polyposis syndrome. Last evaluated: 2025-09-05. Review status: criteria provided, single submitter. Criteria: Invitae Variant Classification Sherloc (09022015). Collection method: clinical testing. Allele origin: germline.
Comment: This sequence change replaces arginine, which is basic and polar, with leucine, which is neutral and non-polar, at codon 284 of the BMPR1A protein (p.Arg284Leu). This variant is not present in population databases (gnomAD no frequency). This variant has not been reported in the literature in individuals affected with BMPR1A-related conditions. Invitae Evidence Modeling of protein sequence and biophysical properties (such as structural, functional, and spatial information, amino acid conservation, physicochemical variation, residue mobility, and thermodynamic stability) indicates that this missense variant is not expected to disrupt BMPR1A protein function with a negative predictive value of 80%. In summary, the available evidence is currently insufficient to determine the role of this variant in disease. Therefore, it has been classified as a Variant of Uncertain Significance.